The following is an entry in ClinVar:

NM_015340.4(LARS2):c.1255C>T (p.Arg419Trp)

Genes: LARS2 (leucyl-tRNA synthetase 2, mitochondrial; plus strand), LARS2-AS1 (LARS2 antisense RNA 1; minus strand). Cytogenetic location: 3p21.31.
Variant type: single nucleotide variant.
Coding change: c.1255C>T on transcript NM_015340.4 (MANE Select); coding-DNA position 1255, C replaced by T.
Protein change: p.Arg419Trp; replaces arginine 419 with tryptophan.
Molecular consequence: missense variant.
Genome position (GRCh38, 1-based): chr3:45,491,532, C>T. VCF-style: chr3-45491532-C-T. GRCh37 (hg19) VCF-style: chr3-45533024-C-T.
Other names: c.1255C>T, p.Arg419Trp (NM_001368263.1); c.1255C>T (NM_015340.3); short protein forms R419W.
Identifiers: ClinVar variation 2415285 (VCV002415285.4), dbSNP rs567281888, ClinGen allele CA2349567.
Genomic context (GRCh38, chr3:45,491,532, plus strand): 5'-GGTGCTATGCGGAGAGGAGTGAGCTTTCTTTTCTTTCCCTGTCAGTTCACAGGTATGACC[C>T]GGCAGGATGCTTTTCTAGCCCTGACTCAGAAAGCCCGGGGGAAGAGAGTGGGTGGAGACG-3'
Protein context (NP_056155.1, residues 409-429): SSSAEFTGMT[Arg419Trp]QDAFLALTQK

ClinVar aggregate classification (germline): Uncertain significance. Review status: criteria provided, multiple submitters, no conflicts (2 of 4 stars). 2 submissions from 2 submitters: Uncertain significance (2). Last evaluated 2024-11-15.

Conditions:
Inborn genetic diseases. Identifiers: MedGen C0950123, MeSH D030342.

Allele frequency attached by ClinVar (database versions not stated): gnomAD exomes 0.00001; ExAC 0.00005; gnomAD 0.00005; TOPMed 0.00005; 1000 Genomes Project 30x 0.00016; 1000 Genomes Project 0.00020.

Submissions (2):

Ambry Genetics
Classification: Uncertain significance for Inborn genetic diseases. Last evaluated: 2024-11-15. Review status: criteria provided, single submitter. Criteria: Ambry Variant Classification Scheme 2023. Collection method: clinical testing. Allele origin: germline.

Labcorp Genetics (formerly Invitae), Labcorp
Classification: Uncertain significance. Last evaluated: 2022-08-09. Review status: criteria provided, single submitter. Criteria: Invitae Variant Classification Sherloc (09022015). Collection method: clinical testing. Allele origin: germline.
Comment: This sequence change replaces arginine, which is basic and polar, with tryptophan, which is neutral and slightly polar, at codon 419 of the LARS2 protein (p.Arg419Trp). This variant is present in population databases (rs567281888, gnomAD 0.02%). This variant has not been reported in the literature in individuals affected with LARS2-related conditions. Algorithms developed to predict the effect of missense changes on protein structure and function are either unavailable or do not agree on the potential impact of this missense change (SIFT: "Tolerated"; PolyPhen-2: "Probably Damaging"; Align-GVGD: "Class C0"). In summary, the available evidence is currently insufficient to determine the role of this variant in disease. Therefore, it has been classified as a Variant of Uncertain Significance.